The following is an entry in ClinVar:

ClinVar aggregate classification (germline): Uncertain significance (1 of 4 stars; one submission).

Conditions:
Hereditary cancer-predisposing syndrome. Also called: Neoplastic Syndromes, Hereditary; Hereditary Cancer Syndrome; Hereditary neoplastic syndrome; Tumor predisposition. Identifiers: Orphanet 140162, MedGen C0027672, MeSH D009386, MONDO:0015356.

Allele frequency attached by ClinVar (database versions not stated): TOPMed below 0.00001.

Submission:

Ambry Genetics
Classification: Uncertain significance for Hereditary cancer-predisposing syndrome. Last evaluated: 2025-08-03. Review status: criteria provided, single submitter. Criteria: Ambry Variant Classification Scheme 2023. Collection method: clinical testing. Allele origin: germline.
Comment: The p.T634I variant (also known as c.1901C>T), located in coding exon 14 of the SDHA gene, results from a C to T substitution at nucleotide position 1901. The threonine at codon 634 is replaced by isoleucine, an amino acid with similar properties. This amino acid position is conserved. In addition, the in silico prediction for this alteration is inconclusive. Since supporting evidence is limited at this time, the clinical significance of this alteration remains unclear.

NM_004168.4(SDHA):c.1901C>T (p.Thr634Ile)

Gene: SDHA (succinate dehydrogenase complex flavoprotein subunit A; plus strand). Cytogenetic location: 5p15.33.
Variant type: single nucleotide variant.
Coding change: c.1901C>T on transcript NM_004168.4 (MANE Select); coding-DNA position 1901, C replaced by T.
Protein change: p.Thr634Ile; replaces threonine 634 with isoleucine.
Molecular consequence: missense variant.
Genome position (GRCh38, 1-based): chr5:254,499, C>T. VCF-style: chr5-254499-C-T. GRCh37 (hg19) VCF-style: chr5-254614-C-T.
Other names: c.1757C>T, p.Thr586Ile (NM_001294332.2); c.1658C>T, p.Thr553Ile (NM_001330758.2); short protein forms T634I, T553I, T586I.
Identifiers: ClinVar variation 2562377 (VCV002562377.3), dbSNP rs1737054928, ClinGen allele CA359002275.